The following is an entry in ClinVar:

NM_001378615.1(CC2D2A):c.4345C>G (p.Pro1449Ala)

Genes: CC2D2A (coiled-coil and C2 domain containing 2A; plus strand), FBXL5 (F-box and leucine rich repeat protein 5; minus strand). Cytogenetic location: 4p15.32.
Variant type: single nucleotide variant.
Coding change: c.4345C>G on transcript NM_001378615.1 (MANE Select); coding-DNA position 4345, C replaced by G.
Protein change: p.Pro1449Ala; replaces proline 1449 with alanine.
Molecular consequence: missense variant.
Genome position (GRCh38, 1-based): chr4:15,596,115, C>G. VCF-style: chr4-15596115-C-G. GRCh37 (hg19) VCF-style: chr4-15597738-C-G.
Other names: c.4345C>G, p.Pro1449Ala (NM_001080522.2); c.4198C>G, p.Pro1400Ala (NM_001378617.1); short protein forms P1449A, P1400A.
Identifiers: ClinVar variation 461753 (VCV000461753.9), dbSNP rs375410796, ClinGen allele CA2864379.
Genomic context (GRCh38, chr4:15,596,115, plus strand): 5'-TATATGCTAATGTAGTCTTGTCTTTCTTAGATTTGGTTTAATATTCAACGATATGAATCT[C>G]CACTAAGGATAAATTTTGATGTCACCAGGCCCAAGCTATGGAAATCTTTCTTTTCAAGAA-3'
Protein context (NP_001365544.1, residues 1439-1459): IWFNIQRYES[Pro1449Ala]LRINFDVTRP

ClinVar aggregate classification (germline): Uncertain significance. Review status: criteria provided, multiple submitters, no conflicts (2 of 4 stars). 2 submissions from 2 submitters: Uncertain significance (2). Last evaluated 2024-12-26.

Conditions:
Meckel syndrome, type 6. Identifiers: Orphanet 564, MedGen C2676790, MONDO:0012848, OMIM 612284.
Joubert syndrome 9 (JBTS9). Identifiers: Orphanet 2318, MedGen C2676788, MONDO:0012849, OMIM 612285.
COACH syndrome 2. Identifiers: MedGen C5436837, MONDO:0030859, OMIM 619111.
Retinitis pigmentosa 93. Identifiers: MedGen C5676970, MONDO:0030797, OMIM 619845.
Meckel-Gruber syndrome. Also called: Dysencephalia splachnocystica; DYSENCEPHALIA SPLANCHNOCYSTICA; GRUBER SYNDROME. Identifiers: Orphanet 564, MedGen C0265215, MONDO:0018921.
Joubert syndrome. Also called: Familial aplasia of the vermis; JOUBERT-BOLTSHAUSER SYNDROME. Identifiers: Orphanet 475, MedGen C5979921, MONDO:0018772.

Allele frequency attached by ClinVar (database versions not stated): gnomAD exomes 0.00001; gnomAD 0.00002 and 0.00003; ExAC 0.00005; TOPMed 0.00006; ESP Exome Variant Server 0.00009; 1000 Genomes Project 0.00020; 1000 Genomes Project 30x 0.00031.
gnomAD v4.1: 11 of 1,549,108 alleles (0.00071%); highest among the groups gnomAD compares: African/African-American, 0.015%; no homozygotes.

Submissions (2):

Labcorp Genetics (formerly Invitae), Labcorp
Classification: Uncertain significance for Joubert syndrome; Meckel-Gruber syndrome. Last evaluated: 2024-12-26. Review status: criteria provided, single submitter. Criteria: Invitae Variant Classification Sherloc (09022015). Collection method: clinical testing. Allele origin: germline.
Comment: This sequence change replaces proline, which is neutral and non-polar, with alanine, which is neutral and non-polar, at codon 1449 of the CC2D2A protein (p.Pro1449Ala). This variant is present in population databases (rs375410796, gnomAD 0.01%). This missense change has been observed in individual(s) with Joubert syndrome (internal data). ClinVar contains an entry for this variant (Variation ID: 461753). Invitae Evidence Modeling of protein sequence and biophysical properties (such as structural, functional, and spatial information, amino acid conservation, physicochemical variation, residue mobility, and thermodynamic stability) indicates that this missense variant is expected to disrupt CC2D2A protein function with a positive predictive value of 80%. In summary, the available evidence is currently insufficient to determine the role of this variant in disease. Therefore, it has been classified as a Variant of Uncertain Significance.

Juno Genomics, Hangzhou Juno Genomics, Inc
Classification: Uncertain significance for COACH syndrome 2; Joubert syndrome 9; Meckel syndrome, type 6; Retinitis pigmentosa 93. Review status: criteria provided, single submitter. Criteria: ACMG Guidelines, 2015. Collection method: clinical testing. Allele origin: germline. Affected: yes.
Comment: Absent from controls (or at extremely low frequency if recessive) in Genome Aggregation Database, Exome Sequencing Project, 1000 Genomes Project, or Exome Aggregation Consortium.;Patient's phenotype or family history is highly specific for a disease with a single genetic etiology.;For recessive disorders, detected in trans with a pathogenic variant.